The following is an entry in ClinVar:

NM_025137.4(SPG11):c.6977T>C (p.Leu2326Pro)

Gene: SPG11 (SPG11 vesicle trafficking associated, spatacsin; minus strand). Cytogenetic location: 15q21.1.
Variant type: single nucleotide variant.
Coding change: c.6977T>C on transcript NM_025137.4 (MANE Select); coding-DNA position 6977, T replaced by C.
Protein change: p.Leu2326Pro; replaces leucine 2326 with proline.
Molecular consequence: missense variant.
Genome position (GRCh38, 1-based): chr15:44,565,876, A>G on the plus strand (T>C on the coding strand, the complement: SPG11 is on the minus strand). VCF-style: chr15-44565876-A-G. GRCh37 (hg19) VCF-style: chr15-44858074-A-G.
Other names: c.6638T>C, p.Leu2213Pro (NM_001160227.2); short protein forms L2326P, L2213P.
Identifiers: ClinVar variation 1462820 (VCV001462820.3), dbSNP rs2082296961, ClinGen allele CA392213061.

ClinVar aggregate classification (germline): Uncertain significance (1 of 4 stars; one submission).

Conditions:
Hereditary spastic paraplegia 11. Also called: Spastic Paraplegia 11; Nakamura Osame syndrome; Autosomal recessive hereditary spastic paraplegia, mental impairment, and thin corpus callosum; SPASTIC PARAPLEGIA, AUTOSOMAL RECESSIVE, COMPLICATED, WITH THIN CORPUS CALLOSUM; SPASTIC PARAPLEGIA, AUTOSOMAL RECESSIVE, WITH MENTAL IMPAIRMENT AND THIN CORPUS CALLOSUM; Spastic paraplegia, mental retardation and thin corpus callosum. Identifiers: Orphanet 2822, MedGen C1858479, MONDO:0011445, OMIM 604360.

Allele frequency attached by ClinVar (database versions not stated): TOPMed below 0.00001.

Submission:

Labcorp Genetics (formerly Invitae), Labcorp
Classification: Uncertain significance for Hereditary spastic paraplegia 11. Last evaluated: 2021-11-13. Review status: criteria provided, single submitter. Criteria: Invitae Variant Classification Sherloc (09022015). Collection method: clinical testing. Allele origin: germline.
Comment: This sequence change replaces leucine, which is neutral and non-polar, with proline, which is neutral and non-polar, at codon 2326 of the SPG11 protein (p.Leu2326Pro). This variant is not present in population databases (gnomAD no frequency). This variant has not been reported in the literature in individuals affected with SPG11-related conditions. Algorithms developed to predict the effect of missense changes on protein structure and function are either unavailable or do not agree on the potential impact of this missense change (SIFT: "Deleterious"; PolyPhen-2: "Benign"; Align-GVGD: "Class C0"). In summary, the available evidence is currently insufficient to determine the role of this variant in disease. Therefore, it has been classified as a Variant of Uncertain Significance.